The following is an entry in ClinVar:

NM_000548.5(TSC2):c.3628A>T (p.Met1210Leu)

Gene: TSC2 (TSC complex subunit 2; plus strand). Cytogenetic location: 16p13.3.
Variant type: single nucleotide variant.
Coding change: c.3628A>T on transcript NM_000548.5 (MANE Select); coding-DNA position 3628, A replaced by T.
Protein change: p.Met1210Leu; replaces methionine 1210 with leucine.
Molecular consequence: missense variant. On other transcripts: non-coding transcript variant (5).
Genome position (GRCh38, 1-based): chr16:2,081,612, A>T. VCF-style: chr16-2081612-A-T. GRCh37 (hg19) VCF-style: chr16-2131613-A-T.
Other names: c.2152A>T, p.Met718Leu (NM_001406695.1, NM_001406696.1, NM_001406697.1 and 1 more transcripts); c.1894A>T, p.Met632Leu (NM_001406698.1); c.3499A>T, p.Met1167Leu (NM_021055.3, NM_001363528.2, NM_001370405.1); c.3496A>T, p.Met1166Leu (NM_001077183.3, NM_001370404.1, NM_001406665.1); c.3628A>T, p.Met1210Leu (NM_001114382.3); c.3388A>T, p.Met1130Leu (NM_001318827.2); c.3352A>T, p.Met1118Leu (NM_001318829.2); c.2896A>T, p.Met966Leu (NM_001318831.2, NM_001406687.1, NM_001406688.1); and 18 more; short protein forms M1129L, M1130L, M1161L, M1162L, M1163L, M1166L, M1167L, M1197L.
Identifiers: ClinVar variation 4192200 (VCV004192200.1).

ClinVar aggregate classification (germline): Uncertain significance (1 of 4 stars; one submission).

Conditions:
Hereditary cancer-predisposing syndrome. Also called: Neoplastic Syndromes, Hereditary; Tumor predisposition; Hereditary Cancer Syndrome; Hereditary neoplastic syndrome. Identifiers: Orphanet 140162, MedGen C0027672, MeSH D009386, MONDO:0015356.

Submission:

Ambry Genetics
Classification: Uncertain significance for Hereditary cancer-predisposing syndrome. Last evaluated: 2025-09-10. Review status: criteria provided, single submitter. Criteria: Ambry Variant Classification Scheme 2023. Collection method: clinical testing. Allele origin: germline.
Comment: The p.M1210L variant (also known as c.3628A>T), located in coding exon 30 of the TSC2 gene, results from an A to T substitution at nucleotide position 3628. The methionine at codon 1210 is replaced by leucine, an amino acid with highly similar properties. This amino acid position is conserved. In addition, this alteration is predicted to be deleterious by in silico analysis. Based on the available evidence, the clinical significance of this variant remains unclear.